The following is an entry in ClinVar:

ClinVar aggregate classification (germline): Pathogenic/Likely pathogenic. Review status: criteria provided, multiple submitters, no conflicts (2 of 4 stars). 10 submissions from 10 submitters: Pathogenic (5); Likely pathogenic (4). 1 of the submissions does not count toward it. Last evaluated 2025-11-26.

Conditions:
Ellis-van Creveld syndrome (EVC). Also called: MESOECTODERMAL DYSPLASIA; Chondroectodermal dysplasia. Identifiers: Orphanet 289, MedGen C0013903, MONDO:0009162, OMIM 225500.
Curry-Hall syndrome (WAD). Also called: WEYERS ACRODENTAL DYSOSTOSIS. Identifiers: Orphanet 952, MedGen C0457013, MONDO:0008673, OMIM 193530.
EVC-related disorder. Also called: EVC-related disorders; EVC-related condition.

Allele frequency attached by ClinVar (database versions not stated): ExAC 0.00001; gnomAD exomes 0.00001 and 0.00002; gnomAD 0.00003; TOPMed 0.00003.
gnomAD v4.1: 27 of 1,614,054 alleles (0.0017%); highest among the groups gnomAD compares: Middle Eastern, 0.033%; no homozygotes.

Submissions (10):

Dasa
Classification: Pathogenic. Last evaluated: 2025-11-26. Review status: criteria provided, single submitter. Criteria: DASA Assertion Criteria. Collection method: clinical testing. Allele origin: germline.
Comment: NM_153717.3(EVC):c.2731C>T (p.Arg911*) introduces a premature stop codon predicted to result in truncated protein or nonsense-mediated mRNA decay. Loss-of-function is an established mechanism of disease for this gene. The variant has been reported in individuals with Ellis-van Creveld syndrome or Weyers acrofacial dysostosis (PMID: 39663844) and is present at low frequency in population datasets. Based on the available data, this variant is classified as pathogenic.

Institute of Human Genetics, Heidelberg University
Classification: Likely pathogenic for Curry-Hall syndrome; Ellis-van Creveld syndrome. Last evaluated: 2025-11-26. Review status: criteria provided, single submitter. Criteria: ACMG Guidelines, 2015. Collection method: clinical testing. Allele origin: unknown. Affected: yes. Observed: 1 variant allele.
Comment: PVS1

PreventionGenetics, part of Exact Sciences
Classification: Likely pathogenic for EVC-related condition. Last evaluated: 2025-11-06. Review status: criteria provided, single submitter. Criteria: ACMG Guidelines, 2015. Collection method: clinical testing. Allele origin: germline.
Comment: The EVC c.2731C>T variant is predicted to result in premature protein termination (p.Arg911*). This variant has been reported in the homozygous or compound heterozygous state in individuals with autosomal recessive EVC-related phenotypes (Supplemental Table 2, Wang et al. 2021. PubMed ID: 33502061; Altunoglu et al. 2024. PubMed ID: 38531627). However, it has also been reported in the homozygous state in individuals who were indicated to not have the expected phenotypic features for EVC-related disease (AlAbdi et al. 2023. PubMed ID: 37644014). This variant has also been reported in the heterozygous state in an individual with Weyers acrofacial dysostosis who inherited it from a parent with more mild features (Kessler et al. 2025. PubMed ID: 39663844). This variant is present in 0.0033% of alleles in individuals of South Asian descent in gnomAD. Nonsense variants in EVC are expected to be pathogenic. This variant is interpreted as likely pathogenic.

Natera, Inc.
Classification: Pathogenic for Ellis-van Creveld syndrome. Last evaluated: 2025-05-12. Review status: criteria provided, single submitter. Criteria: Natera Variant Classification Schema (03/2026). Collection method: clinical testing. Allele origin: germline.
Comment: The c.2731C>T variant in EVC is a nonsense variant predicted to introduce a stop codon at amino acid 911. This variant is expected to result in nonsense mediated decay, truncation, or a dysfunctional protein product. This variant is rare in the general population with a frequency below the threshold expected for the associated phenotype(s). This variant has been observed in one or more individuals affected with the associated recessive disease, as either homozygous or compound heterozygous with a second variant (PMID: 38531627, 33502061). Given the available evidence, this variant is classified as Pathogenic.

Labcorp Genetics (formerly Invitae), Labcorp
Classification: Pathogenic for Curry-Hall syndrome; Ellis-van Creveld syndrome. Last evaluated: 2025-04-03. Review status: criteria provided, single submitter. Criteria: Invitae Variant Classification Sherloc (09022015). Collection method: clinical testing. Allele origin: germline.
Comment: This sequence change creates a premature translational stop signal (p.Arg911*) in the EVC gene. It is expected to result in an absent or disrupted protein product. Loss-of-function variants in EVC are known to be pathogenic (PMID: 23220543). This variant is present in population databases (rs767400887, gnomAD 0.003%). This variant has not been reported in the literature in individuals affected with EVC-related conditions. ClinVar contains an entry for this variant (Variation ID: 850722). For these reasons, this variant has been classified as Pathogenic.

Genomic Medicine Center of Excellence, King Faisal Specialist Hospital and Research Centre
Classification: Pathogenic for Ellis-van Creveld syndrome. Last evaluated: 2024-12-18. Review status: criteria provided, single submitter. Criteria: ACMG Guidelines, 2015. Collection method: clinical testing. Allele origin: germline.

Fulgent Genetics
Classification: Likely pathogenic for Curry-Hall syndrome; Ellis-van Creveld syndrome. Last evaluated: 2023-12-29. Review status: criteria provided, single submitter. Criteria: ACMG Guidelines, 2015. Collection method: clinical testing. Allele origin: germline.

Revvity Omics, Revvity
Classification: Likely pathogenic. Last evaluated: 2022-08-24. Review status: criteria provided, single submitter. Criteria: ACMG Guidelines, 2015. Collection method: clinical testing. Allele origin: germline.

Genomic Research Center, Shahid Beheshti University of Medical Sciences
Classification: Pathogenic. Last evaluated: 2020-05-03. Review status: criteria provided, single submitter. Criteria: ACMG Guidelines, 2015. Collection method: clinical testing. Allele origin: unknown. Affected: no.

Center for Molecular Medicine, Children’s Hospital of Fudan University
Classification: Pathogenic for Ellis-van Creveld syndrome. Last evaluated: 2021-10-05. Review status: no assertion criteria provided. Collection method: clinical testing. Allele origin: unknown. Affected: yes. Not counted in ClinVar's aggregate classification.

Literature cited by the submitters: PubMed 39663844 (cited by Dasa); PubMed 38531627 (cited by Natera, Inc.); PubMed 33502061 (cited by Natera, Inc.); PubMed 23220543 (cited by Labcorp Genetics (formerly Invitae), Labcorp).

NM_153717.3(EVC):c.2731C>T (p.Arg911Ter)

Gene: EVC (EvC ciliary complex subunit 1; plus strand). Cytogenetic location: 4p16.2.
Variant type: single nucleotide variant.
Coding change: c.2731C>T on transcript NM_153717.3 (MANE Select); coding-DNA position 2731, C replaced by T.
Protein change: p.Arg911Ter; replaces arginine 911 with a stop codon.
Molecular consequence: nonsense.
Genome position (GRCh38, 1-based): chr4:5,809,560, C>T. VCF-style: chr4-5809560-C-T. GRCh37 (hg19) VCF-style: chr4-5811287-C-T.
Other names: c.2731C>T, p.Arg911Ter (NM_001306090.2); short protein forms R911*.
Identifiers: ClinVar variation 850722 (VCV000850722.29), dbSNP rs767400887, ClinGen allele CA2836670.